The following is an entry in ClinVar:

ClinVar aggregate classification (germline): Uncertain significance (1 of 4 stars; one submission).

Conditions:
Inborn genetic diseases. Identifiers: MedGen C0950123, MeSH D030342.

gnomAD v4.1: 4 of 1,613,754 alleles (0.00025%); highest among the groups gnomAD compares: Non-Finnish European, 0.00034%; no homozygotes.

Submission:

Ambry Genetics
Classification: Uncertain significance for Inborn genetic diseases. Last evaluated: 2024-11-25. Review status: criteria provided, single submitter. Criteria: Ambry Variant Classification Scheme 2023. Collection method: clinical testing. Allele origin: germline.
Comment: The p.D480G variant (also known as c.1439A>G), located in coding exon 9 of the ERCC6L2 gene, results from an A to G substitution at nucleotide position 1439. The aspartic acid at codon 480 is replaced by glycine, an amino acid with similar properties. This amino acid position is conserved. In addition, the in silico prediction for this alteration is inconclusive. Based on the available evidence, the clinical significance of this variant remains unclear.

NM_020207.7(ERCC6L2):c.1439A>G (p.Asp480Gly)

Gene: ERCC6L2 (ERCC excision repair 6 like 2; plus strand). Cytogenetic location: 9q22.32.
Variant type: single nucleotide variant.
Coding change: c.1439A>G on transcript NM_020207.7 (MANE Select); coding-DNA position 1439, A replaced by G.
Protein change: p.Asp480Gly; replaces aspartic acid 480 with glycine.
Molecular consequence: missense variant. On other transcripts: non-coding transcript variant (1).
Genome position (GRCh38, 1-based): chr9:95,923,285, A>G. VCF-style: chr9-95923285-A-G. GRCh37 (hg19) VCF-style: chr9-98685567-A-G.
Other names: c.1439A>G, p.Asp480Gly (NM_001010895.4, NM_001375291.1, NM_001375292.1 and 2 more transcripts); short protein forms D480G.
Identifiers: ClinVar variation 3509981 (VCV003509981.1).
Genomic context (GRCh38, chr9:95,923,285, plus strand): 5'-TGGAAATATCTTTTCTTCTGCCTTTTCCCTTCAAGGAAACACTTATCAAAAGGATATGTG[A>G]TCAGGTATTTTCCAGATTCCCAGATTTTGTGCAGAAAAGCAAAGATGCAGCCTTTGAAAC-3'
Protein context (NP_064592.3, residues 470-490): QQETLIKRIC[Asp480Gly]QVFSRFPDFV